The following is an entry in ClinVar:

ClinVar aggregate classification (germline): Uncertain significance (1 of 4 stars; one submission).

Conditions:
Developmental and epileptic encephalopathy, 9 (DEE9). Also called: Early infantile epileptic encephalopathy 9; EPILEPSY, FEMALE-RESTRICTED, WITH MENTAL RETARDATION; JUBERG-HELLMAN SYNDROME; PCDH19-Related X-Linked Female-Limited Epilepsy with Mental Retardation. Identifiers: Orphanet 101039, Orphanet 2076, MedGen C1848137, MONDO:0010246, OMIM 300088. Disease mechanism: loss of function.

Allele frequency attached by ClinVar (database versions not stated): gnomAD exomes below 0.00001 and 0.00001; TOPMed 0.00002; ExAC 0.00003.
gnomAD v4.1: 2 of 1,189,616 alleles (0.00017%); highest among the groups gnomAD compares: East Asian, 0.003%; no homozygotes.

Submission:

Labcorp Genetics (formerly Invitae), Labcorp
Classification: Uncertain significance for Developmental and epileptic encephalopathy, 9. Last evaluated: 2023-07-14. Review status: criteria provided, single submitter. Criteria: Invitae Variant Classification Sherloc (09022015). Collection method: clinical testing. Allele origin: germline.
Comment: In summary, the available evidence is currently insufficient to determine the role of this variant in disease. Therefore, it has been classified as a Variant of Uncertain Significance. Advanced modeling of protein sequence and biophysical properties (such as structural, functional, and spatial information, amino acid conservation, physicochemical variation, residue mobility, and thermodynamic stability) has been performed at Invitae for this missense variant, however the output from this modeling did not meet the statistical confidence thresholds required to predict the impact of this variant on PCDH19 protein function. This variant has not been reported in the literature in individuals affected with PCDH19-related conditions. The frequency data for this variant in the population databases is considered unreliable, as metrics indicate poor data quality at this position in the gnomAD database. This sequence change replaces arginine, which is basic and polar, with glutamine, which is neutral and polar, at codon 886 of the PCDH19 protein (p.Arg886Gln). ClinVar contains an entry for this variant (Variation ID: 579743).

NM_001184880.2(PCDH19):c.2657G>A (p.Arg886Gln)

Gene: PCDH19 (protocadherin 19; minus strand). Cytogenetic location: Xq22.1.
Variant type: single nucleotide variant.
Coding change: c.2657G>A on transcript NM_001184880.2 (MANE Select); coding-DNA position 2657, G replaced by A.
Protein change: p.Arg886Gln; replaces arginine 886 with glutamine.
Molecular consequence: missense variant.
Genome position (GRCh38, 1-based): chrX:100,350,664, C>T on the plus strand (G>A on the coding strand, the complement: PCDH19 is on the minus strand). VCF-style: chrX-100350664-C-T. GRCh37 (hg19) VCF-style: chrX-99605662-C-T.
Other names: c.2516G>A, p.Arg839Gln (NM_001105243.2, NM_020766.3); short protein forms R886Q, R839Q.
Identifiers: ClinVar variation 579743 (VCV000579743.9), dbSNP rs757949591, ClinGen allele CA10468737.